The following is an entry in ClinVar:

NM_025144.4(ALPK1):c.1116_1117del (p.Gly373fs)

Gene: ALPK1 (alpha kinase 1; plus strand). Cytogenetic location: 4q25.
Variant type: Deletion.
Coding change: c.1116_1117del on transcript NM_025144.4 (MANE Select); coding-DNA positions 1116 to 1117, 2 bases deleted (AG; older notation c.1116_1117delAG).
Protein change: p.Gly373fs; shifts the reading frame from glycine 373.
Molecular consequence: frameshift variant.
Genome position (GRCh38, 1-based): chr4:112,430,663-112,430,664, AG deleted. VCF-style (leftmost placement, unchanged base first): chr4-112430662-CAG-C. GRCh37 (hg19) VCF-style: chr4-113351818-CAG-C.
Other names: c.1116_1117del, p.Gly373fs (NM_001102406.2); c.882_883del, p.Gly295fs (NM_001253884.2); short protein forms G295fs, G373fs.
Identifiers: ClinVar variation 4744323 (VCV004744323.1).

ClinVar aggregate classification (germline): Uncertain significance (1 of 4 stars; one submission).

Submission:

Labcorp Genetics (formerly Invitae), Labcorp
Classification: Uncertain significance. Last evaluated: 2025-06-20. Review status: criteria provided, single submitter. Criteria: Invitae Variant Classification Sherloc (09022015). Collection method: clinical testing. Allele origin: germline.
Comment: This sequence change creates a premature translational stop signal (p.Gly373Aspfs*10) in the ALPK1 gene. It is expected to result in an absent or disrupted protein product. However, the current clinical and genetic evidence is not sufficient to establish whether loss-of-function variants in ALPK1 cause disease. This variant is not present in population databases (gnomAD no frequency). This variant has not been reported in the literature in individuals affected with ALPK1-related conditions. In summary, the available evidence is currently insufficient to determine the role of this variant in disease. Therefore, it has been classified as a Variant of Uncertain Significance.